The following is an entry in ClinVar:

NM_001291303.3(FAT4):c.1787C>T (p.Ala596Val)

Gene: FAT4 (FAT atypical cadherin 4; plus strand). Cytogenetic location: 4q28.1.
Variant type: single nucleotide variant.
Coding change: c.1787C>T on transcript NM_001291303.3 (MANE Select); coding-DNA position 1787, C replaced by T.
Protein change: p.Ala596Val; replaces alanine 596 with valine.
Molecular consequence: missense variant.
Genome position (GRCh38, 1-based): chr4:125,318,198, C>T. VCF-style: chr4-125318198-C-T. GRCh37 (hg19) VCF-style: chr4-126239353-C-T.
Other names: c.1787C>T, p.Ala596Val (NM_001291285.3, NM_024582.6); short protein forms A596V.
Identifiers: ClinVar variation 1350491 (VCV001350491.8), dbSNP rs1730729533, ClinGen allele CA358118646.

ClinVar aggregate classification (germline): Uncertain significance (1 of 4 stars; one submission).

Submission:

Labcorp Genetics (formerly Invitae), Labcorp
Classification: Uncertain significance. Last evaluated: 2021-05-01. Review status: criteria provided, single submitter. Criteria: Invitae Variant Classification Sherloc (09022015). Collection method: clinical testing. Allele origin: germline.
Comment: Advanced modeling of protein sequence and biophysical properties (such as structural, functional, and spatial information, amino acid conservation, physicochemical variation, residue mobility, and thermodynamic stability) performed at Invitae indicates that this missense variant is not expected to disrupt FAT4 protein function. This variant has not been reported in the literature in individuals with FAT4-related conditions. This variant is not present in population databases (ExAC no frequency). This sequence change replaces alanine with valine at codon 596 of the FAT4 protein (p.Ala596Val). The alanine residue is moderately conserved and there is a small physicochemical difference between alanine and valine. In summary, the available evidence is currently insufficient to determine the role of this variant in disease. Therefore, it has been classified as a Variant of Uncertain Significance.